The following is an entry in ClinVar:

ClinVar aggregate classification (germline): Pathogenic/Likely pathogenic. Review status: criteria provided, multiple submitters, no conflicts (2 of 4 stars). 2 submissions from 2 submitters: Pathogenic (1); Likely pathogenic (1). Last evaluated 2025-03-20.

Conditions:
Tooth agenesis, selective, 1. Also called: HYPODONTIA/OLIGODONTIA 1; SECOND PREMOLARS AND THIRD MOLARS, ABSENCE OF. Identifiers: Orphanet 99798, MedGen C3489529, MONDO:0007129, OMIM 106600. Disease mechanism: loss of function.
Hypoplastic enamel-onycholysis-hypohidrosis syndrome (TNS). Also called: NAIL DYSPLASIA WITH HYPODONTIA; WITKOP SYNDROME; Tooth-and-Nail Syndrome; ECTODERMAL DYSPLASIA 3, TOOTH/NAIL TYPE; ECTODERMAL DYSPLASIA 3, WITKOP TYPE. Identifiers: Orphanet 2228, MedGen C0406735, MONDO:0008582, OMIM 189500.

Submissions (2):

Variantyx, Inc.
Classification: Likely pathogenic for Tooth agenesis, selective, 1. Last evaluated: 2025-03-20. Review status: criteria provided, single submitter. Criteria: Variantyx Assertion Criteria 2022. Collection method: clinical testing. Allele origin: maternal. Affected: yes.
Comment: This is a nonsense variant in the MSX1 gene (OMIM: 142983). Pathogenic variants in this gene have been associated with autosomal dominant selective tooth agenesis 1, with or without orofacial cleft. This variant introduces a premature termination codon in exon 1 out of 2. It is expected to result in loss of function, which is a known disease mechanism for MSX1 in this disorder (PMID: 11369996, 10742093, 15264286) (PVS1). This variant is absent from control populations (PM2_Supporting). This variant has not been reported in individuals with MSX1-related disorders in the databases available for review. Based on the current evidence, this variant is classified as likely pathogenic for autosomal dominant selective tooth agenesis 1, with or without orofacial cleft.

Labcorp Genetics (formerly Invitae), Labcorp
Classification: Pathogenic for Hypoplastic enamel-onycholysis-hypohidrosis syndrome. Last evaluated: 2025-02-13. Review status: criteria provided, single submitter. Criteria: Invitae Variant Classification Sherloc (09022015). Collection method: clinical testing. Allele origin: germline.
Comment: This sequence change creates a premature translational stop signal (p.Ser92*) in the MSX1 gene. It is expected to result in an absent or disrupted protein product. Loss-of-function variants in MSX1 are known to be pathogenic (PMID: 9742121, 10742093). This variant is not present in population databases (gnomAD no frequency). This variant has not been reported in the literature in individuals affected with MSX1-related conditions. For these reasons, this variant has been classified as Pathogenic.

Literature cited by the submitters: PubMed 9742121 (cited by Labcorp Genetics (formerly Invitae), Labcorp); PubMed 10742093 (cited by Labcorp Genetics (formerly Invitae), Labcorp).

NM_002448.3(MSX1):c.275C>A (p.Ser92Ter)

Genes: MSX1 (msh homeobox 1; plus strand), LOC129992137 (ATAC-STARR-seq lymphoblastoid silent region 15219; plus strand). Cytogenetic location: 4p16.2.
Variant type: single nucleotide variant.
Coding change: c.275C>A on transcript NM_002448.3 (MANE Select); coding-DNA position 275, C replaced by A.
Protein change: p.Ser92Ter; replaces serine 92 with a stop codon.
Molecular consequence: nonsense.
Genome position (GRCh38, 1-based): chr4:4,860,174, C>A. VCF-style: chr4-4860174-C-A. GRCh37 (hg19) VCF-style: chr4-4861901-C-A.
Other names: short protein forms S92*.
Identifiers: ClinVar variation 4711875 (VCV004711875.1).